The following is an entry in ClinVar:

NM_206933.4(USH2A):c.3679G>C (p.Gly1227Arg)

Genes: USH2A (usherin; minus strand), USH2A-AS1 (USH2A antisense RNA 1; plus strand). Cytogenetic location: 1q41.
Variant type: single nucleotide variant.
Coding change: c.3679G>C on transcript NM_206933.4 (MANE Select); coding-DNA position 3679, G replaced by C.
Protein change: p.Gly1227Arg; replaces glycine 1227 with arginine.
Molecular consequence: missense variant.
Genome position (GRCh38, 1-based): chr1:216,199,759, C>G on the plus strand (G>C on the coding strand, the complement: USH2A is on the minus strand). VCF-style: chr1-216199759-C-G. GRCh37 (hg19) VCF-style: chr1-216373101-C-G.
Other names: c.3679G>C, p.Gly1227Arg (NM_007123.6); short protein forms G1227R.
Identifiers: ClinVar variation 846164 (VCV000846164.9), dbSNP rs765613123, ClinGen allele CA1395941.

ClinVar aggregate classification (germline): Uncertain significance. Review status: criteria provided, multiple submitters, no conflicts (2 of 4 stars). 2 submissions from 2 submitters: Uncertain significance (2). Last evaluated 2024-11-08.

Allele frequency attached by ClinVar (database versions not stated): gnomAD 0.00002 and 0.00003; gnomAD exomes 0.00002 and 0.00004; ExAC 0.00003.
gnomAD v4.1: 32 of 1,613,962 alleles (0.002%); highest among the groups gnomAD compares: Non-Finnish European, 0.00042%; no homozygotes.

Submissions (2):

Blueprint Genetics
Classification: Uncertain significance. Last evaluated: 2024-11-08. Review status: criteria provided, single submitter. Criteria: ACMG Guidelines, 2015. Collection method: clinical testing. Allele origin: germline.

Labcorp Genetics (formerly Invitae), Labcorp
Classification: Uncertain significance. Last evaluated: 2024-01-23. Review status: criteria provided, single submitter. Criteria: Invitae Variant Classification Sherloc (09022015). Collection method: clinical testing. Allele origin: germline.
Comment: This sequence change replaces glycine, which is neutral and non-polar, with arginine, which is basic and polar, at codon 1227 of the USH2A protein (p.Gly1227Arg). This variant is present in population databases (rs765613123, gnomAD 0.05%). This missense change has been observed in individual(s) with retinitis pigmentosa (Invitae). ClinVar contains an entry for this variant (Variation ID: 846164). Advanced modeling of protein sequence and biophysical properties (such as structural, functional, and spatial information, amino acid conservation, physicochemical variation, residue mobility, and thermodynamic stability) has been performed at Invitae for this missense variant, however the output from this modeling did not meet the statistical confidence thresholds required to predict the impact of this variant on USH2A protein function. In summary, the available evidence is currently insufficient to determine the role of this variant in disease. Therefore, it has been classified as a Variant of Uncertain Significance.